The following is an entry in ClinVar:

ClinVar aggregate classification (germline): Pathogenic/Likely pathogenic. Review status: criteria provided, multiple submitters, no conflicts (2 of 4 stars). 3 submissions from 3 submitters: Pathogenic (1); Likely pathogenic (2). Last evaluated 2025-04-10.

Conditions:
MPI-congenital disorder of glycosylation. Also called: CDG Ib; MANNOSEPHOSPHATE ISOMERASE DEFICIENCY; CONGENITAL DISORDER OF GLYCOSYLATION, TYPE Ib; MPI-CDG; PROTEIN-LOSING ENTEROPATHY-HEPATIC FIBROSIS SYNDROME; MPI DEFICIENCY. Identifiers: Orphanet 79319, MedGen C1865145, MONDO:0011257, OMIM 602579.

Submissions (3):

Labcorp Genetics (formerly Invitae), Labcorp
Classification: Pathogenic for MPI-congenital disorder of glycosylation. Last evaluated: 2025-04-10. Review status: criteria provided, single submitter. Criteria: Invitae Variant Classification Sherloc (09022015). Collection method: clinical testing. Allele origin: germline.
Comment: This sequence change creates a premature translational stop signal (p.Val342Cysfs*17) in the MPI gene. While this is not anticipated to result in nonsense mediated decay, it is expected to disrupt the last 82 amino acid(s) of the MPI protein. This variant is not present in population databases (gnomAD no frequency). This variant has not been reported in the literature in individuals affected with MPI-related conditions. ClinVar contains an entry for this variant (Variation ID: 1368178). This variant disrupts a region of the MPI protein in which other variant(s) (p.Ala363Hisfs*9) have been determined to be pathogenic (internal data). This suggests that this is a clinically significant region of the protein, and that variants that disrupt it are likely to be disease-causing. For these reasons, this variant has been classified as Pathogenic.

Fulgent Genetics
Classification: Likely pathogenic for MPI-congenital disorder of glycosylation. Last evaluated: 2024-06-15. Review status: criteria provided, single submitter. Criteria: ACMG Guidelines, 2015. Collection method: clinical testing. Allele origin: germline.

Baylor Genetics
Classification: Likely pathogenic for MPI-congenital disorder of glycosylation. Last evaluated: 2024-03-01. Review status: criteria provided, single submitter. Criteria: ACMG Guidelines, 2015. Collection method: clinical testing. Allele origin: unknown.

NM_002435.3(MPI):c.1022dup (p.Val342fs)

Gene: MPI (mannose phosphate isomerase; plus strand). Cytogenetic location: 15q24.1.
Variant type: Duplication.
Coding change: c.1022dup on transcript NM_002435.3 (MANE Select); coding-DNA position 1022, one base duplicated (C; older notation c.1022dupC).
Protein change: p.Val342fs; shifts the reading frame from valine 342.
Molecular consequence: frameshift variant. On other transcripts: intron variant (1).
Genome position (GRCh38, 1-based): chr15:74,897,188, C duplicated; the last of 6 consecutive C bases (chr15:74,897,183-74,897,188); duplicating any one gives the same sequence. VCF-style (leftmost placement, unchanged base first): chr15-74897182-A-AC. GRCh37 (hg19) VCF-style: chr15-75189523-A-AC.
Other names: c.872dup, p.Val292fs (NM_001289156.2); c.839dup, p.Val281fs (NM_001289157.2); c.962dup, p.Val322fs (NM_001330372.2); c.845-324dup (NM_001289155.2); short protein forms V292fs, V281fs, V342fs, V322fs.
Identifiers: ClinVar variation 1368178 (VCV001368178.11), dbSNP rs765310894, ClinGen allele CA491220631.